The following is an entry in ClinVar:

NM_000535.7(PMS2):c.2446-2del

Gene: PMS2 (PMS1 homolog 2, mismatch repair system component; minus strand). Cytogenetic location: 7p22.1.
Variant type: Deletion.
Coding change: c.2446-2del on transcript NM_000535.7 (MANE Select); the canonical splice acceptor site of the intron before coding-DNA position 2446, one base deleted (A; older notation c.2446-2delA).
Molecular consequence: splice acceptor variant.
Genome position (GRCh38, 1-based): chr7:5,973,544, T deleted on the plus strand (A on the coding strand, the reverse complement: PMS2 is on the minus strand). VCF-style (leftmost placement, unchanged base first): chr7-5973543-CT-C. GRCh37 (hg19) VCF-style: chr7-6013174-CT-C.
Other names: c.2128-2del (NM_001322008.2, NM_001406883.1, NM_001322007.2); c.2137-2del (NM_001406881.1, NM_001406879.1, NM_001322015.2 and 4 more transcripts); c.2041-2del (NM_001406895.1, NM_001322004.2, NM_001406889.1 and 11 more transcripts); c.1675-2del (NM_001406911.1); c.1885-2del (NM_001322010.2, NM_001406906.1, NM_001406907.1); c.1972-2del (NM_001406902.1, NM_001406901.1); c.1933-2del (NM_001406904.1, NM_001406905.1); c.1873-2del (NM_001322013.2, NM_001406908.1, NM_001406909.1); and 20 more.
Identifiers: ClinVar variation 3421536 (VCV003421536.1).
Genomic context (GRCh38, chr7:5,973,543, plus strand): 5'-CCCCATGTGGGTGATCAGTTTCTTCATCTCGCTTGTGTTAAGAGCAGTCCCAATCATCAC[CT>C]GAGTGTGAGACACAATGGTTCAACGTTTTAGTAGTTTTTTGACGTCAGAATGGCAGCTCT-3'

ClinVar aggregate classification (germline): Likely pathogenic (1 of 4 stars; one submission).

Conditions:
Hereditary cancer-predisposing syndrome. Also called: Neoplastic Syndromes, Hereditary; Tumor predisposition; Hereditary Cancer Syndrome; Hereditary neoplastic syndrome. Identifiers: Orphanet 140162, MedGen C0027672, MeSH D009386, MONDO:0015356.

Submission:

Ambry Genetics
Classification: Likely pathogenic for Hereditary cancer-predisposing syndrome. Last evaluated: 2024-12-07. Review status: criteria provided, single submitter. Criteria: Ambry Variant Classification Scheme 2023. Collection method: clinical testing. Allele origin: germline.
Comment: The c.2446-2delA intronic variant, located in intron 14 of the PMS2 gene, results from a deletion of one nucleotide within intron 14 of the PMS2 gene. Alterations that disrupt the canonical splice site are expected to result in aberrant splicing. In silico splice site analysis predicts that this alteration will weaken the native splice acceptor site. A resulting transcript is not expected to trigger nonsense-mediated mRNAdecay; although, direct evidence is unavailable. However, the region predicted to be impacted is critical for protein function (Ambry internal data). This variant is considered to be rare based on population cohorts in the Genome Aggregation Database (gnomAD). This nucleotide position is highly conserved in available vertebrate species. Based on the majority of available evidence to date, this variant is likely to be pathogenic.